The following is an entry in ClinVar:

ClinVar aggregate classification (germline): Benign/Likely benign. Review status: criteria provided, multiple submitters, no conflicts (2 of 4 stars). 4 submissions from 4 submitters: Benign (1); Likely benign (3). Last evaluated 2025-06-05.

Conditions:
Hereditary cancer-predisposing syndrome. Also called: Neoplastic Syndromes, Hereditary; Tumor predisposition; Hereditary Cancer Syndrome; Hereditary neoplastic syndrome. Identifiers: Orphanet 140162, MedGen C0027672, MeSH D009386, MONDO:0015356.
Tuberous sclerosis 2 (TSC2). Identifiers: Orphanet 805, MedGen C1860707, MONDO:0013199, OMIM 613254.

Allele frequency attached by ClinVar (database versions not stated): gnomAD exomes below 0.00001 and 0.00001; gnomAD 0.00001; TOPMed 0.00001.
gnomAD v4.1: 13 of 1,612,796 alleles (0.00081%); highest among the groups gnomAD compares: Non-Finnish European, 0.001%; no homozygotes.

Submissions (4):

Myriad Genetics, Inc.
Classification: Benign for Tuberous sclerosis 2. Last evaluated: 2025-06-05. Review status: criteria provided, single submitter. Criteria: Myriad Autosomal Dominant, Autosomal Recessive and X-Linked Classification Criteria (2023). Collection method: clinical testing. Allele origin: unknown.
Comment: This variant is considered benign. This variant is a silent/synonymous amino acid change and it is not expected to impact splicing.

Labcorp Genetics (formerly Invitae), Labcorp
Classification: Likely benign for Tuberous sclerosis 2. Last evaluated: 2024-12-08. Review status: criteria provided, single submitter. Criteria: Invitae Variant Classification Sherloc (09022015). Collection method: clinical testing. Allele origin: germline.

Ambry Genetics
Classification: Likely benign for Hereditary cancer-predisposing syndrome. Last evaluated: 2023-12-09. Review status: criteria provided, single submitter. Criteria: Ambry Variant Classification Scheme 2023. Collection method: clinical testing. Allele origin: germline.

Genome-Nilou Lab
Classification: Likely benign for Tuberous sclerosis 2. Last evaluated: 2021-11-07. Review status: criteria provided, single submitter. Criteria: ACMG Guidelines, 2015. Collection method: clinical testing. Allele origin: germline. Affected: no.

NM_000548.5(TSC2):c.5049G>T (p.Val1683=)

Gene: TSC2 (TSC complex subunit 2; plus strand). Cytogenetic location: 16p13.3.
Variant type: single nucleotide variant.
Coding change: c.5049G>T on transcript NM_000548.5 (MANE Select); coding-DNA position 5049, G replaced by T.
Protein change: p.Val1683=; no amino-acid change (valine 1683 retained).
Molecular consequence: synonymous variant.
Genome position (GRCh38, 1-based): chr16:2,087,922, G>T. VCF-style: chr16-2087922-G-T. GRCh37 (hg19) VCF-style: chr16-2137923-G-T.
Other names: c.4740G>T, p.Val1580= (NM_001318827.2); c.4704G>T, p.Val1568= (NM_001318829.2); c.4317G>T, p.Val1439= (NM_001318831.2); c.4881G>T, p.Val1627= (NM_001318832.2); c.4851G>T, p.Val1617= (NM_001363528.2); c.4917G>T, p.Val1639= (NM_001370404.1); c.4920G>T, p.Val1640= (NM_001370405.1, NM_021055.3); c.4848G>T, p.Val1616= (NM_001077183.3); and 1 more.
Identifiers: ClinVar variation 566039 (VCV000566039.18), dbSNP rs1256890176, ClinGen allele CA493043620.